The following is an entry in ClinVar:

NM_003801.4(GPAA1):c.1007del (p.Gly336fs)

Gene: GPAA1 (glycosylphosphatidylinositol anchor attachment 1; plus strand). Cytogenetic location: 8q24.3.
Variant type: Deletion.
Coding change: c.1007del on transcript NM_003801.4 (MANE Select); coding-DNA position 1007, one base deleted (G; older notation c.1007delG).
Protein change: p.Gly336fs; shifts the reading frame from glycine 336.
Molecular consequence: frameshift variant.
Genome position (GRCh38, 1-based): chr8:144,084,606, G deleted; the last of 3 consecutive G bases (chr8:144,084,604-144,084,606); deleting any one gives the same sequence. VCF-style (leftmost placement, unchanged base first): chr8-144084603-TG-T. GRCh37 (hg19) VCF-style: chr8-145139506-TG-T.
Other names: short protein forms G336fs.
Identifiers: ClinVar variation 1457926 (VCV001457926.6), dbSNP rs1372329126, ClinGen allele CA848835270.

ClinVar aggregate classification (germline): Pathogenic (1 of 4 stars; one submission).

Submission:

Labcorp Genetics (formerly Invitae), Labcorp
Classification: Pathogenic. Last evaluated: 2022-08-23. Review status: criteria provided, single submitter. Criteria: Invitae Variant Classification Sherloc (09022015). Collection method: clinical testing. Allele origin: germline.
Comment: This sequence change creates a premature translational stop signal (p.Gly336Alafs*97) in the GPAA1 gene. It is expected to result in an absent or disrupted protein product. Loss-of-function variants in GPAA1 are known to be pathogenic (PMID: 29100095). This variant is not present in population databases (gnomAD no frequency). This variant has not been reported in the literature in individuals affected with GPAA1-related conditions. ClinVar contains an entry for this variant (Variation ID: 1457926). For these reasons, this variant has been classified as Pathogenic.

Literature cited by the submitters: PubMed 29100095.